The following is an entry in ClinVar:

NM_015122.3(FCHO1):c.1994G>A (p.Arg665His)

Gene: FCHO1 (FCH and mu domain containing endocytic adaptor 1; plus strand). Cytogenetic location: 19p13.11.
Variant type: single nucleotide variant.
Coding change: c.1994G>A on transcript NM_015122.3 (MANE Select); coding-DNA position 1994, G replaced by A.
Protein change: p.Arg665His; replaces arginine 665 with histidine.
Molecular consequence: missense variant. On other transcripts: non-coding transcript variant (36).
Genome position (GRCh38, 1-based): chr19:17,783,073, G>A. VCF-style: chr19-17783073-G-A. GRCh37 (hg19) VCF-style: chr19-17893882-G-A.
Other names: c.1994G>A, p.Arg665His (NM_001161357.2, NM_001161358.2, NM_001384370.1 and 13 more transcripts); c.1844G>A, p.Arg615His (NM_001161359.2, NM_001384384.1, NM_001384385.1 and 1 more transcripts); c.1955G>A, p.Arg652His (NM_001384388.1, NM_001384389.1, NM_001384405.1); c.1919G>A, p.Arg640His (NM_001384390.1); c.1877G>A, p.Arg626His (NM_001384392.1, NM_001384393.1, NM_001384394.1 and 1 more transcripts); c.1718G>A, p.Arg573His (NM_001384396.1, NM_001384397.1, NM_001384398.1 and 5 more transcripts); c.1673G>A, p.Arg558His (NM_001384403.1); c.1568G>A, p.Arg523His (NM_001384406.1); and 2 more; short protein forms R475H, R626H, R640H, R665H, R523H, R615H, R558H, R573H.
Identifiers: ClinVar variation 1426870 (VCV001426870.9), dbSNP rs761547319, ClinGen allele CA9300715.

ClinVar aggregate classification (germline): Uncertain significance. Review status: criteria provided, multiple submitters, no conflicts (2 of 4 stars). 2 submissions from 2 submitters: Uncertain significance (2). Last evaluated 2025-07-28.

Allele frequency attached by ClinVar (database versions not stated): ExAC 0.00003; gnomAD exomes 0.00003.
gnomAD v4.1: 79 of 1,613,996 alleles (0.0049%); highest among the groups gnomAD compares: Middle Eastern, 0.016%; no homozygotes.

Submissions (2):

Labcorp Genetics (formerly Invitae), Labcorp
Classification: Uncertain significance. Last evaluated: 2025-07-28. Review status: criteria provided, single submitter. Criteria: Invitae Variant Classification Sherloc (09022015). Collection method: clinical testing. Allele origin: germline.
Comment: This sequence change replaces arginine, which is basic and polar, with histidine, which is basic and polar, at codon 665 of the FCHO1 protein (p.Arg665His). This variant is present in population databases (rs761547319, gnomAD 0.006%). This variant has not been reported in the literature in individuals affected with FCHO1-related conditions. ClinVar contains an entry for this variant (Variation ID: 1426870). An algorithm developed to predict the effect of missense changes on protein structure and function (PolyPhen-2) suggests that this variant is likely to be disruptive. In summary, the available evidence is currently insufficient to determine the role of this variant in disease. Therefore, it has been classified as a Variant of Uncertain Significance.

Ambry Genetics
Classification: Uncertain significance. Last evaluated: 2022-03-30. Review status: criteria provided, single submitter. Criteria: Ambry Variant Classification Scheme 2023. Collection method: clinical testing. Allele origin: germline.